The following is an entry in ClinVar:

NM_001148.6(ANK2):c.3655A>G (p.Ile1219Val)

Gene: ANK2 (ankyrin 2; plus strand). Cytogenetic location: 4q26.
Variant type: single nucleotide variant.
Coding change: c.3655A>G on transcript NM_001148.6 (MANE Select); coding-DNA position 3655, A replaced by G.
Protein change: p.Ile1219Val; replaces isoleucine 1219 with valine.
Molecular consequence: missense variant.
Genome position (GRCh38, 1-based): chr4:113,336,640, A>G. VCF-style: chr4-113336640-A-G. GRCh37 (hg19) VCF-style: chr4-114257796-A-G.
Other names: c.3628A>G, p.Ile1210Val (NM_001127493.3); c.3667A>G, p.Ile1223Val (NM_001354225.2); c.3556A>G, p.Ile1186Val (NM_001354228.2, NM_001354258.2); c.3634A>G, p.Ile1212Val (NM_001354230.2); c.3697A>G, p.Ile1233Val (NM_001354231.2, NM_001354242.2); c.3691A>G, p.Ile1231Val (NM_001354232.2); c.3652A>G, p.Ile1218Val (NM_001354235.2, NM_001354246.2, NM_001354265.2); c.3553A>G, p.Ile1185Val (NM_001354236.2); and 31 more; short protein forms I1165V, I1185V, I1202V, I1209V, I1212V, I1218V, I1223V, I1233V.
Identifiers: ClinVar variation 2590734 (VCV002590734.6), dbSNP rs1162544118, ClinGen allele CA357938405.
Genomic context (GRCh38, chr4:113,336,640, plus strand): 5'-CAACCTATGCACAGTGAGCTGGTTAAGAAGATCCTAGGCAACAAAGCTACCTTCAGCCCT[A>G]TAGTCACTTTGGAACCTAGAAGAAGAAAATTCCACAAACCAATTACCATGACCATTCCTG-3'
Protein context (NP_001139.3, residues 1209-1229): ILGNKATFSP[Ile1219Val]VTLEPRRRKF

ClinVar aggregate classification (germline): Conflicting classifications of pathogenicity. Review status: criteria provided, conflicting classifications (1 of 4 stars). 3 submissions from 3 submitters: Uncertain significance (2); Benign (1). Last evaluated 2024-02-29.

Conditions:
Cardiovascular phenotype. Identifiers: MedGen CN230736.
Long QT syndrome (LQTS). Identifiers: MedGen C0023976, MeSH D008133, MONDO:0002442. Disease mechanism: loss of function. Inheritance: Various modes of inheritance.

Allele frequency attached by ClinVar (database versions not stated): gnomAD exomes below 0.00001; gnomAD 0.00001; TOPMed 0.00001.
gnomAD v4.1: 5 of 1,614,074 alleles (0.00031%); highest among the groups gnomAD compares: Admixed American, 0.005%; no homozygotes.

Submissions (3):

Labcorp Genetics (formerly Invitae), Labcorp
Classification: Benign for Long QT syndrome. Last evaluated: 2024-02-29. Review status: criteria provided, single submitter. Criteria: Invitae Variant Classification Sherloc (09022015). Collection method: clinical testing. Allele origin: germline.

Ambry Genetics
Classification: Uncertain significance for Cardiovascular phenotype. Last evaluated: 2023-07-15. Review status: criteria provided, single submitter. Criteria: Ambry Variant Classification Scheme 2023. Collection method: clinical testing. Allele origin: germline.
Comment: The p.I1219V variant (also known as c.3655A>G), located in coding exon 31 of the ANK2 gene, results from an A to G substitution at nucleotide position 3655. The isoleucine at codon 1219 is replaced by valine, an amino acid with highly similar properties. This amino acid position is conserved. In addition, the in silico prediction for this alteration is inconclusive. Since supporting evidence is limited at this time, the clinical significance of this alteration remains unclear.

GeneDx
Classification: Uncertain significance. Last evaluated: 2023-06-05. Review status: criteria provided, single submitter. Criteria: GeneDx Variant Classification Process June 2021. Collection method: clinical testing. Allele origin: germline. Affected: yes.
Comment: Has not been previously published as pathogenic or benign to our knowledge; Not observed at significant frequency in large population cohorts (gnomAD); In silico analysis supports that this missense variant does not alter protein structure/function